The following is an entry in ClinVar:

NM_006063.3(KLHL41):c.1183G>A (p.Glu395Lys)

Gene: KLHL41 (kelch like family member 41; plus strand). Cytogenetic location: 2q31.1.
Variant type: single nucleotide variant.
Coding change: c.1183G>A on transcript NM_006063.3 (MANE Select); coding-DNA position 1183, G replaced by A.
Protein change: p.Glu395Lys; replaces glutamic acid 395 with lysine.
Molecular consequence: missense variant.
Genome position (GRCh38, 1-based): chr2:169,514,646, G>A. VCF-style: chr2-169514646-G-A. GRCh37 (hg19) VCF-style: chr2-170371156-G-A.
Other names: short protein forms E395K.
Identifiers: ClinVar variation 1522658 (VCV001522658.6), dbSNP rs1684085913, ClinGen allele CA349178464.

ClinVar aggregate classification (germline): Uncertain significance (1 of 4 stars; one submission).

Conditions:
Nemaline myopathy 9 (NEM9). Identifiers: MedGen C3810384, MONDO:0014326, OMIM 615731.

Submission:

Labcorp Genetics (formerly Invitae), Labcorp
Classification: Uncertain significance for Nemaline myopathy 9. Last evaluated: 2021-08-18. Review status: criteria provided, single submitter. Criteria: Invitae Variant Classification Sherloc (09022015). Collection method: clinical testing. Allele origin: germline.
Comment: This sequence change replaces glutamic acid with lysine at codon 395 of the KLHL41 protein (p.Glu395Lys). The glutamic acid residue is highly conserved and there is a small physicochemical difference between glutamic acid and lysine. This variant is not present in population databases (ExAC no frequency). This variant has not been reported in the literature in individuals affected with KLHL41-related conditions. Algorithms developed to predict the effect of missense changes on protein structure and function (SIFT, PolyPhen-2, Align-GVGD) all suggest that this variant is likely to be disruptive. In summary, the available evidence is currently insufficient to determine the role of this variant in disease. Therefore, it has been classified as a Variant of Uncertain Significance.